The following is an entry in ClinVar:

ClinVar aggregate classification (germline): Pathogenic (1 of 4 stars; one submission).

Conditions:
Intellectual disability, autosomal recessive 53 (NEDHSCA). Also called: GLYCOSYLPHOSPHATIDYLINOSITOL BIOSYNTHESIS DEFECT 13; Mental retardation, autosomal recessive 53; NEURODEVELOPMENTAL DISORDER WITH OR WITHOUT HYPOTONIA, SEIZURES, AND CEREBELLAR ATROPHY. Identifiers: Orphanet 488635, MedGen C4310794, MONDO:0014832, OMIM 616917.

Submission:

Labcorp Genetics (formerly Invitae), Labcorp
Classification: Pathogenic for Intellectual disability, autosomal recessive 53. Last evaluated: 2022-06-24. Review status: criteria provided, single submitter. Criteria: Invitae Variant Classification Sherloc (09022015). Collection method: clinical testing. Allele origin: germline.
Comment: This variant is not present in population databases (gnomAD no frequency). This variant has not been reported in the literature in individuals affected with PIGG-related conditions. For these reasons, this variant has been classified as Pathogenic. This sequence change creates a premature translational stop signal (p.Val710Alafs*48) in the PIGG gene. It is expected to result in an absent or disrupted protein product. Loss-of-function variants in PIGG are known to be pathogenic (PMID: 26996948, 28581210, 28771251).

Literature cited by the submitters: PubMed 26996948; PubMed 28581210; PubMed 28771251.

NM_001127178.3(PIGG):c.2129_2130del (p.Val710fs)

Gene: PIGG (phosphatidylinositol glycan anchor biosynthesis class G (EMM blood group); plus strand). Cytogenetic location: 4p16.3.
Variant type: Microsatellite.
Coding change: c.2129_2130del on transcript NM_001127178.3 (MANE Select); coding-DNA positions 2129 to 2130, 2 bases deleted (TG; older notation c.2129_2130delTG).
Protein change: p.Val710fs; shifts the reading frame from valine 710.
Molecular consequence: frameshift variant. On other transcripts: non-coding transcript variant (10).
Genome position (GRCh38, 1-based): chr4:527,098-527,099, TG deleted; deleting any 2 consecutive bases within chr4:527,096-527,099 gives the same sequence; the c. name uses the placement nearest the transcript's 3' end. VCF-style (leftmost placement, unchanged base first): chr4-527095-TTG-T. GRCh37 (hg19) VCF-style: chr4-520884-TTG-T.
Other names: c.1862_1863del, p.Val621fs (NM_001289051.2, NM_001345986.2); c.1730_1731del, p.Val577fs (NM_001289052.2); c.1838_1839del, p.Val613fs (NM_001345987.2); c.1100_1101del, p.Val367fs (NM_001345988.2); c.596_597del, p.Val199fs (NM_001345990.2, NM_001345991.2); c.1031_1032del, p.Val344fs (NM_001345994.2); c.2105_2106del, p.Val702fs (NM_017733.5); short protein forms V710fs, V199fs, V367fs, V577fs, V613fs, V702fs, V344fs, V621fs.
Identifiers: ClinVar variation 2005199 (VCV002005199.4), dbSNP rs2474989324, ClinGen allele CA2580616042.